The following is an entry in ClinVar:

ClinVar aggregate classification (germline): Pathogenic/Likely pathogenic. Review status: criteria provided, multiple submitters, no conflicts (2 of 4 stars). 2 submissions from 2 submitters: Pathogenic (1); Likely pathogenic (1). Last evaluated 2025-03-31.

Conditions:
Neurofibromatosis, type 1 (NF1). Also called: VON RECKLINGHAUSEN DISEASE; Peripheral type neurofibromatosis; NEUROFIBROMATOSIS, TYPE I, SOMATIC; Neurofibromatosis, type I. Identifiers: Orphanet 636, MedGen C0027831, MONDO:0018975, OMIM 162200. Disease mechanism: loss of function.

Submissions (2):

Labcorp Genetics (formerly Invitae), Labcorp
Classification: Pathogenic for Neurofibromatosis, type 1. Last evaluated: 2025-03-31. Review status: criteria provided, single submitter. Criteria: Invitae Variant Classification Sherloc (09022015). Collection method: clinical testing. Allele origin: germline.
Comment: This sequence change replaces asparagine, which is neutral and polar, with tyrosine, which is neutral and polar, at codon 1394 of the NF1 protein (p.Asn1394Tyr). This variant is not present in population databases (gnomAD no frequency). This missense change has been observed in individual(s) with NF1-related conditions (PMID: 37751797; internal data). In at least one individual the variant was observed to be de novo. ClinVar contains an entry for this variant (Variation ID: 1067196). Invitae Evidence Modeling of protein sequence and biophysical properties (such as structural, functional, and spatial information, amino acid conservation, physicochemical variation, residue mobility, and thermodynamic stability) indicates that this missense variant is expected to disrupt NF1 protein function with a positive predictive value of 95%. This variant disrupts the p.Asn1394 amino acid residue in NF1. Other variant(s) that disrupt this residue have been determined to be pathogenic (PMID: 31717729; internal data). This suggests that this residue is clinically significant, and that variants that disrupt this residue are likely to be disease-causing. For these reasons, this variant has been classified as Pathogenic.

Medical Genetics, University of Parma
Classification: Likely pathogenic for Neurofibromatosis, type 1. Last evaluated: 2022-08-17. Review status: criteria provided, single submitter. Criteria: ACMG Guidelines, 2015. Collection method: clinical testing. Allele origin: germline. Inheritance: Autosomal dominant inheritance. Affected: yes.

Literature cited by the submitters: PubMed 37751797 (cited by Labcorp Genetics (formerly Invitae), Labcorp); PubMed 31717729 (cited by Labcorp Genetics (formerly Invitae), Labcorp).

NM_001042492.3(NF1):c.4243A>T (p.Asn1415Tyr)

Gene: NF1 (neurofibromin 1; plus strand). Cytogenetic location: 17q11.2.
Variant type: single nucleotide variant.
Coding change: c.4243A>T on transcript NM_001042492.3 (MANE Select); coding-DNA position 4243, A replaced by T.
Protein change: p.Asn1415Tyr; replaces asparagine 1415 with tyrosine.
Molecular consequence: missense variant.
Genome position (GRCh38, 1-based): chr17:31,258,413, A>T. VCF-style: chr17-31258413-A-T. GRCh37 (hg19) VCF-style: chr17-29585431-A-T.
Other names: c.4180A>T, p.Asn1394Tyr (NM_000267.4); short protein forms N1394Y, N1415Y.
Identifiers: ClinVar variation 1067196 (VCV001067196.6), dbSNP rs1555618518, ClinGen allele CA398997872.